The following is an entry in ClinVar:

ClinVar aggregate classification (germline): Pathogenic (1 of 4 stars; one submission).

Conditions:
Neurofibromatosis, type 1 (NF1). Also called: Neurofibromatosis, type I; VON RECKLINGHAUSEN DISEASE; NEUROFIBROMATOSIS, TYPE I, SOMATIC; Peripheral type neurofibromatosis. Identifiers: Orphanet 636, MedGen C0027831, MONDO:0018975, OMIM 162200. Disease mechanism: loss of function.

Submission:

Labcorp Genetics (formerly Invitae), Labcorp
Classification: Pathogenic for Neurofibromatosis, type 1. Last evaluated: 2023-02-18. Review status: criteria provided, single submitter. Criteria: Invitae Variant Classification Sherloc (09022015). Collection method: clinical testing. Allele origin: germline.
Comment: For these reasons, this variant has been classified as Pathogenic. This variant disrupts a region of the NF1 protein in which other variant(s) (p.Leu1015Pro) have been determined to be pathogenic (PMID: 14517963, 27322474; Invitae). This suggests that this is a clinically significant region of the protein, and that variants that disrupt it are likely to be disease-causing. Variants that disrupt the consensus splice site are a relatively common cause of aberrant splicing (PMID: 17576681, 9536098). Studies have shown that this variant results in skipping of exon 23, but is expected to preserve the integrity of the reading-frame (Invitae). This variant has not been reported in the literature in individuals affected with NF1-related conditions. This variant is not present in population databases (gnomAD no frequency). This sequence change falls in intron 23 of the NF1 gene. It does not directly change the encoded amino acid sequence of the NF1 protein. RNA analysis indicates that this variant induces altered splicing and likely results in a shortened protein product.

Literature cited by the submitters: PubMed 14517963; PubMed 27322474; PubMed 17576681; PubMed 9536098.

NM_001042492.3(NF1):c.3113+2dup

Gene: NF1 (neurofibromin 1; plus strand). Cytogenetic location: 17q11.2.
Variant type: Duplication.
Coding change: c.3113+2dup on transcript NM_001042492.3 (MANE Select); the canonical splice donor site of the intron after coding-DNA position 3113, one base duplicated (T; older notation c.3113+2dupT).
Molecular consequence: splice donor variant.
Genome position (GRCh38, 1-based): chr17:31,230,384, T duplicated. VCF-style (leftmost placement, unchanged base first): chr17-31230383-G-GT. GRCh37 (hg19) VCF-style: chr17-29557401-G-GT.
Other names: c.3113+2dup (NM_000267.4).
Identifiers: ClinVar variation 2838685 (VCV002838685.3), dbSNP rs2483878852, ClinGen allele CA2695224839.